The following is an entry in ClinVar:

ClinVar aggregate classification (germline): Uncertain significance (1 of 4 stars; one submission).

Conditions:
Hyperkalemic periodic paralysis. Also called: Familial hyperkalemic periodic paralysis; Gamstorp disease. Identifiers: Orphanet 682, MedGen C0238357, MONDO:0008224, OMIM 170500, HP:0007215.

Allele frequency attached by ClinVar (database versions not stated): gnomAD exomes below 0.00001; ExAC 0.00001; gnomAD 0.00001; TOPMed 0.00002.
gnomAD v4.1: 8 of 1,573,882 alleles (0.00051%); highest among the groups gnomAD compares: East Asian, 0.0068%; no homozygotes.

Submission:

Labcorp Genetics (formerly Invitae), Labcorp
Classification: Uncertain significance for Hyperkalemic periodic paralysis. Last evaluated: 2024-09-01. Review status: criteria provided, single submitter. Criteria: Invitae Variant Classification Sherloc (09022015). Collection method: clinical testing. Allele origin: germline.
Comment: This sequence change replaces isoleucine, which is neutral and non-polar, with valine, which is neutral and non-polar, at codon 788 of the SCN4A protein (p.Ile788Val). This variant is present in population databases (rs748811517, gnomAD 0.002%). This variant has not been reported in the literature in individuals affected with SCN4A-related conditions. ClinVar contains an entry for this variant (Variation ID: 648219). Invitae Evidence Modeling of protein sequence and biophysical properties (such as structural, functional, and spatial information, amino acid conservation, physicochemical variation, residue mobility, and thermodynamic stability) has been performed for this missense variant. However, the output from this modeling did not meet the statistical confidence thresholds required to predict the impact of this variant on SCN4A protein function. In summary, the available evidence is currently insufficient to determine the role of this variant in disease. Therefore, it has been classified as a Variant of Uncertain Significance.

NM_000334.4(SCN4A):c.2362A>G (p.Ile788Val)

Genes: GH-LCR (growth hormone locus control region; plus strand), SCN4A (sodium voltage-gated channel alpha subunit 4; minus strand). Cytogenetic location: 17q23.3.
Variant type: single nucleotide variant.
Coding change: c.2362A>G on transcript NM_000334.4 (MANE Select); coding-DNA position 2362, A replaced by G.
Protein change: p.Ile788Val; replaces isoleucine 788 with valine.
Molecular consequence: missense variant.
Genome position (GRCh38, 1-based): chr17:63,957,176, T>C on the plus strand (A>G on the coding strand, the complement: SCN4A is on the minus strand). VCF-style: chr17-63957176-T-C. GRCh37 (hg19) VCF-style: chr17-62034536-T-C.
Other names: short protein forms I788V.
Identifiers: ClinVar variation 648219 (VCV000648219.9), dbSNP rs748811517, ClinGen allele CA8709605.
Genomic context (GRCh38, chr17:63,957,176, plus strand): 5'-ACGCTTCCCGGGTGAGGGCAGGGGCCACCCAGCCAGCCTCACTCACCACAAGATTGCCGA[T>C]GACCATGACCATGAGGAAGACGGTGAGGCACATGGCTTGGCCGGCCACCTCCATGCAGTC-3'
Protein context (NP_000325.4, residues 778-798): CLTVFLMVMV[Ile788Val]GNLVVLNLFL